The following is an entry in ClinVar:

ClinVar aggregate classification (germline): Uncertain significance (1 of 4 stars; one submission).

Conditions:
Hereditary cancer-predisposing syndrome. Also called: Tumor predisposition; Hereditary Cancer Syndrome; Neoplastic Syndromes, Hereditary; Hereditary neoplastic syndrome. Identifiers: Orphanet 140162, MedGen C0027672, MeSH D009386, MONDO:0015356.

Submission:

Ambry Genetics
Classification: Uncertain significance for Hereditary cancer-predisposing syndrome. Last evaluated: 2026-02-17. Review status: criteria provided, single submitter. Criteria: Ambry Variant Classification Scheme 2023. Collection method: clinical testing. Allele origin: germline.
Comment: The c.859+4A>G intronic variant results from an A to G substitution 4 nucleotides after coding exon 4 in the SMARCA4 gene. This nucleotide position is well conserved in available vertebrate species. In silico splice site analysis for this alteration is inconclusive. Based on the available evidence, the clinical significance of this variant remains unclear.

NM_003072.5(SMARCA4):c.859+4A>G

Gene: SMARCA4 (SWI/SNF related BAF chromatin remodeling complex subunit ATPase 4; plus strand). Cytogenetic location: 19p13.2.
Variant type: single nucleotide variant.
Coding change: c.859+4A>G on transcript NM_003072.5 (MANE Select); 4 bases into the intron after coding-DNA position 859, A replaced by G.
Molecular consequence: intron variant.
Genome position (GRCh38, 1-based): chr19:10,987,007, A>G. VCF-style: chr19-10987007-A-G. GRCh37 (hg19) VCF-style: chr19-11097683-A-G.
Other names: c.859+4A>G (NM_001128844.3, NM_001128849.3, NM_001128847.4 and 5 more transcripts).
Identifiers: ClinVar variation 486483 (VCV000486483.6), dbSNP rs1555754368, ClinGen allele CA658656756.